The following is an entry in ClinVar:

NM_001367534.1(CAMK2G):c.1258C>T (p.Leu420Phe)

Gene: CAMK2G (calcium/calmodulin dependent protein kinase II gamma; minus strand). Cytogenetic location: 10q22.2.
Variant type: single nucleotide variant.
Coding change: c.1258C>T on transcript NM_001367534.1 (MANE Select); coding-DNA position 1258, C replaced by T.
Protein change: p.Leu420Phe; replaces leucine 420 with phenylalanine.
Molecular consequence: missense variant. On other transcripts: non-coding transcript variant (4), intron variant (20).
Genome position (GRCh38, 1-based): chr10:73,819,637, G>A on the plus strand (C>T on the coding strand, the complement: CAMK2G is on the minus strand). VCF-style: chr10-73819637-G-A. GRCh37 (hg19) VCF-style: chr10-75579395-G-A.
Other names: c.1189C>T, p.Leu397Phe (NM_001320898.2, NM_001367546.1, NM_001367547.1); c.1138C>T, p.Leu380Phe (NM_001367514.1, NM_001367525.1); c.1126C>T, p.Leu376Phe (NM_001367518.1, NM_001367522.1); c.1120C>T, p.Leu374Phe (NM_001367520.1, NM_001367533.1); c.943C>T, p.Leu315Phe (NM_001367524.1); c.1162C>T, p.Leu388Phe (NM_001367526.1, NM_172171.3); c.1156C>T, p.Leu386Phe (NM_001367527.1); c.1093C>T, p.Leu365Phe (NM_001367528.1, NM_001367545.1); and 18 more; short protein forms L158F, L261F, L306F, L315F, L365F, L374F, L376F, L380F.
Identifiers: ClinVar variation 1712530 (VCV001712530.2), dbSNP rs2547893657, ClinGen allele CA377299720.

ClinVar aggregate classification (germline): Uncertain significance (1 of 4 stars; one submission).

Allele frequency attached by ClinVar (database versions not stated): gnomAD exomes below 0.00001.
gnomAD v4.1: 1 of 1,540,840 alleles (0.000065%); highest among the groups gnomAD compares: South Asian, 0.0012%; no homozygotes.

Submission:

GeneDx
Classification: Uncertain significance. Last evaluated: 2022-04-25. Review status: criteria provided, single submitter. Criteria: GeneDx Variant Classification Process June 2021. Collection method: clinical testing. Allele origin: germline. Affected: yes.
Comment: Not observed at significant frequency in large population cohorts (gnomAD); In silico analysis supports that this missense variant does not alter protein structure/function; Has not been previously published as pathogenic or benign to our knowledge